The following is an entry in ClinVar:

ClinVar aggregate classification (germline): Uncertain significance (1 of 4 stars; one submission).

Conditions:
Duchenne muscular dystrophy (DMD). Also called: MUSCULAR DYSTROPHY, PSEUDOHYPERTROPHIC PROGRESSIVE, DUCHENNE TYPE; Duchenne Muscular Dystrophy (DMD). Identifiers: Orphanet 98896, MedGen C0013264, MONDO:0010679, OMIM 310200.

Submission:

Labcorp Genetics (formerly Invitae), Labcorp
Classification: Uncertain significance for Duchenne muscular dystrophy. Last evaluated: 2025-01-08. Review status: criteria provided, single submitter. Criteria: Invitae Variant Classification Sherloc (09022015). Collection method: clinical testing. Allele origin: germline.
Comment: This sequence change replaces glutamine, which is neutral and polar, with histidine, which is basic and polar, at codon 2760 of the DMD protein (p.Gln2760His). This variant is not present in population databases (gnomAD no frequency). This variant has not been reported in the literature in individuals affected with DMD-related conditions. ClinVar contains an entry for this variant (Variation ID: 2710467). Invitae Evidence Modeling of protein sequence and biophysical properties (such as structural, functional, and spatial information, amino acid conservation, physicochemical variation, residue mobility, and thermodynamic stability) indicates that this missense variant is not expected to disrupt DMD protein function with a negative predictive value of 95%. In summary, the available evidence is currently insufficient to determine the role of this variant in disease. Therefore, it has been classified as a Variant of Uncertain Significance.

NM_004006.3(DMD):c.8280A>T (p.Gln2760His)

Gene: DMD (dystrophin; minus strand). Cytogenetic location: Xp21.1.
Variant type: single nucleotide variant.
Coding change: c.8280A>T on transcript NM_004006.3 (MANE Select); coding-DNA position 8280, A replaced by T.
Protein change: p.Gln2760His; replaces glutamine 2760 with histidine.
Molecular consequence: missense variant.
Genome position (GRCh38, 1-based): chrX:31,507,391, T>A on the plus strand (A>T on the coding strand, the complement: DMD is on the minus strand). VCF-style: chrX-31507391-T-A. GRCh37 (hg19) VCF-style: chrX-31525508-T-A.
Other names: c.8256A>T, p.Gln2752His (NM_000109.4); c.8268A>T, p.Gln2756His (NM_004009.3); c.7911A>T, p.Gln2637His (NM_004010.3); c.4257A>T, p.Gln1419His (NM_004011.4); c.4248A>T, p.Gln1416His (NM_004012.4); c.900A>T, p.Gln300His (NM_004013.3, NM_004020.4, NM_004021.3 and 2 more transcripts); c.93A>T, p.Gln31His (NM_004014.3); short protein forms Q31H, Q2637H, Q2760H, Q1419H, Q2752H, Q2756H, Q1416H, Q300H.
Identifiers: ClinVar variation 2710467 (VCV002710467.3), dbSNP rs1261007995, ClinGen allele CA412656308.